The following is an entry in ClinVar:

NM_001005242.3(PKP2):c.2057G>A (p.Gly686Asp)

Gene: PKP2 (plakophilin 2; minus strand). Cytogenetic location: 12p11.21.
Variant type: single nucleotide variant.
Coding change: c.2057G>A on transcript NM_001005242.3 (MANE Select); coding-DNA position 2057, G replaced by A.
Protein change: p.Gly686Asp; replaces glycine 686 with aspartic acid.
Molecular consequence: missense variant.
Genome position (GRCh38, 1-based): chr12:32,802,513, C>T on the plus strand (G>A on the coding strand, the complement: PKP2 is on the minus strand). VCF-style: chr12-32802513-C-T. GRCh37 (hg19) VCF-style: chr12-32955447-C-T.
Other names: c.2057G>A, p.Gly686Asp (NM_001407155.1); c.1892G>A, p.Gly631Asp (NM_001407156.1); c.1730G>A, p.Gly577Asp (NM_001407158.1, NM_001407159.1, NM_001407160.1); c.2189G>A, p.Gly730Asp (NM_004572.4); short protein forms G631D, G686D, G577D, G730D.
Identifiers: ClinVar variation 2774082 (VCV002774082.3), dbSNP rs2541200806, ClinGen allele CA384359963.

ClinVar aggregate classification (germline): Uncertain significance. Review status: criteria provided, multiple submitters, no conflicts (2 of 4 stars). 2 submissions from 2 submitters: Uncertain significance (2). Last evaluated 2024-09-24.

Conditions:
Cardiomyopathy (CMYO). Also called: Cardiomyopathies. Identifiers: Orphanet 167848, MedGen C0878544, MONDO:0004994, HP:0001638. Inheritance: Various modes of inheritance.
Cardiovascular phenotype. Identifiers: MedGen CN230736.

Submissions (2):

Ambry Genetics
Classification: Uncertain significance for Cardiovascular phenotype. Last evaluated: 2024-09-24. Review status: criteria provided, single submitter. Criteria: Ambry Variant Classification Scheme 2023. Collection method: clinical testing. Allele origin: germline.

Color Diagnostics, LLC DBA Color Health
Classification: Uncertain significance for Cardiomyopathy. Last evaluated: 2024-03-06. Review status: criteria provided, single submitter. Criteria: ACMG Guidelines, 2015. Collection method: clinical testing. Allele origin: germline.
Comment: This missense variant replaces glycine with aspartic acid at codon 730 of the PKP2 protein. Computational prediction suggests that this variant may not impact protein structure and function (internally defined REVEL score threshold <= 0.5, PMID: 27666373). To our knowledge, functional studies have not been reported for this variant. This variant has not been reported in individuals affected with cardiovascular disorders in the literature. This variant has not been identified in the general population by the Genome Aggregation Database (gnomAD). The available evidence is insufficient to determine the role of this variant in disease conclusively. Therefore, this variant is classified as a Variant of Uncertain Significance.